The following is an entry in ClinVar:

ClinVar aggregate classification (germline): Likely benign (0 of 4 stars; one submission).

Conditions:
NEIL1-related disorder. Also called: NEIL1-related condition.

Allele frequency attached by ClinVar (database versions not stated): gnomAD exomes 0.00031; ExAC 0.00067; gnomAD 0.00180; TOPMed 0.00204; ESP Exome Variant Server 0.00216; 1000 Genomes Project 0.00220; 1000 Genomes Project 30x 0.00265.
gnomAD v4.1: 734 of 1,614,164 alleles (0.045%); highest among the groups gnomAD compares: African/African-American, 0.62%; no homozygotes.

Submission:

PreventionGenetics, part of Exact Sciences
Classification: Likely benign for NEIL1-related condition. Last evaluated: 2022-06-14. Review status: no assertion criteria provided. Collection method: clinical testing. Allele origin: germline.
Comment: This variant is classified as likely benign based on ACMG/AMP sequence variant interpretation guidelines (Richards et al. 2015 PMID: 25741868, with internal and published modifications).

NM_024608.4(NEIL1):c.967A>G (p.Arg323Gly)

Gene: NEIL1 (nei like DNA glycosylase 1; plus strand). Cytogenetic location: 15q24.2.
Variant type: single nucleotide variant.
Coding change: c.967A>G on transcript NM_024608.4 (MANE Select); coding-DNA position 967, A replaced by G.
Protein change: p.Arg323Gly; replaces arginine 323 with glycine.
Molecular consequence: missense variant. On other transcripts: non-coding transcript variant (1).
Genome position (GRCh38, 1-based): chr15:75,354,683, A>G. VCF-style: chr15-75354683-A-G. GRCh37 (hg19) VCF-style: chr15-75647024-A-G.
Other names: c.1225A>G, p.Arg409Gly (NM_001256552.1); c.661A>G, p.Arg221Gly (NM_001352520.2); short protein forms R221G, R323G, R409G.
Identifiers: ClinVar variation 3038947 (VCV003038947.2), dbSNP rs142433613, ClinGen allele CA7665817.